The following is an entry in ClinVar:

ClinVar aggregate classification (germline): Uncertain significance. Review status: criteria provided, multiple submitters, no conflicts (2 of 4 stars). 8 submissions from 8 submitters: Uncertain significance (6). 2 of the submissions do not count toward it. Last evaluated 2026-01-26.

Conditions:
Hereditary cancer-predisposing syndrome. Also called: Hereditary Cancer Syndrome; Neoplastic Syndromes, Hereditary; Hereditary neoplastic syndrome; Tumor predisposition. Identifiers: Orphanet 140162, MedGen C0027672, MeSH D009386, MONDO:0015356.
POLD1-related polyposis and colorectal cancer syndrome (CRCS10). Also called: COLORECTAL CANCER, SUSCEPTIBILITY TO, ON CHROMOSOME 19q; Colorectal cancer 10; Colorectal cancer, susceptibility to, 10. Identifiers: Orphanet 220460, MedGen C2675481, MONDO:0012953, OMIM 612591.

Allele frequency attached by ClinVar (database versions not stated): ExAC 0.00006; gnomAD exomes 0.00006 and 0.00008; gnomAD 0.00007; TOPMed 0.00009.
gnomAD v4.1: 105 of 1,613,246 alleles (0.0065%); highest among the groups gnomAD compares: Non-Finnish European, 0.0077%; no homozygotes.

Submissions (8):

Labcorp Genetics (formerly Invitae), Labcorp
Classification: Uncertain significance for POLD1-related polyposis and colorectal cancer syndrome. Last evaluated: 2026-01-26. Review status: criteria provided, single submitter. Criteria: Invitae Variant Classification Sherloc (09022015). Collection method: clinical testing. Allele origin: germline.
Comment: This sequence change replaces glutamine, which is neutral and polar, with histidine, which is basic and polar, at codon 726 of the POLD1 protein (p.Gln726His). This variant is present in population databases (rs747483140, gnomAD 0.01%). This variant has not been reported in the literature in individuals affected with POLD1-related conditions. ClinVar contains an entry for this variant (Variation ID: 246171). Invitae Evidence Modeling of protein sequence and biophysical properties (such as structural, functional, and spatial information, amino acid conservation, physicochemical variation, residue mobility, and thermodynamic stability) indicates that this missense variant is not expected to disrupt POLD1 protein function with a negative predictive value of 80%. In summary, the available evidence is currently insufficient to determine the role of this variant in disease. Therefore, it has been classified as a Variant of Uncertain Significance.

Center for Genomic Medicine, Rigshospitalet, Copenhagen University Hospital
Classification: Uncertain significance. Last evaluated: 2025-03-04. Review status: criteria provided, single submitter. Criteria: ACMG Guidelines, 2015. Collection method: clinical testing. Allele origin: germline.

Ambry Genetics
Classification: Uncertain significance for Hereditary cancer-predisposing syndrome. Last evaluated: 2024-12-06. Review status: criteria provided, single submitter. Criteria: Ambry Variant Classification Scheme 2023. Collection method: clinical testing. Allele origin: germline.
Comment: The p.Q726H variant (also known as c.2178G>C), located in coding exon 17 of the POLD1 gene, results from a G to C substitution at nucleotide position 2178. The glutamine at codon 726 is replaced by histidine, an amino acid with highly similar properties. This amino acid position is highly conserved in available vertebrate species. In addition, this alteration is predicted to be tolerated by in silico analysis. Based on the available evidence, the clinical significance of this variant remains unclear.

GeneDx
Classification: Uncertain significance. Last evaluated: 2024-07-12. Review status: criteria provided, single submitter. Criteria: GeneDx Variant Classification Process June 2021. Collection method: clinical testing. Allele origin: germline. Affected: yes.
Comment: In silico analysis indicates that this missense variant does not alter protein structure/function; Has not been previously published as pathogenic or benign to our knowledge; This variant is associated with the following publications: (PMID: 20951805)

St. Jude Molecular Pathology, St. Jude Children's Research Hospital
Classification: Uncertain significance for POLD1-related polyposis and colorectal cancer syndrome. Last evaluated: 2022-09-09. Review status: criteria provided, single submitter. Criteria: St. Jude Assertion Criteria 2020. Collection method: clinical testing. Allele origin: germline.
Comment: The POLD1 c.2178G>C (p.Gln726His) missense change has a maximum subpopulation frequency of 0.012% in gnomAD v2.1.1. The in silico tool REVEL predicts a benign effect on protein function, but to our knowledge this prediction has not been confirmed by functional studies. To our knowledge, this variant has not been reported in the literature in individuals with POLD1-related disease. In summary, the evidence currently available is insufficient to determine the clinical significance of this variant. It has therefore been classified as of uncertain significance.

Quest Diagnostics Nichols Institute San Juan Capistrano
Classification: Uncertain significance. Last evaluated: 2019-04-24. Review status: criteria provided, single submitter. Criteria: Quest Diagnostics criteria. Collection method: clinical testing. Allele origin: germline.

Diagnostic Laboratory, Department of Genetics, University Medical Center Groningen
Classification: Likely benign for POLD1-related polyposis and colorectal cancer syndrome. Review status: no assertion criteria provided. Collection method: clinical testing. Allele origin: germline. Affected: yes. Study: VKGL Data-share Consensus. Not counted in ClinVar's aggregate classification.

Genome Diagnostics Laboratory, Amsterdam University Medical Center
Classification: Likely benign. Review status: no assertion criteria provided. Collection method: clinical testing. Allele origin: germline. Affected: yes. Study: VKGL Data-share Consensus. Not counted in ClinVar's aggregate classification.

NM_002691.4(POLD1):c.2178G>C (p.Gln726His)

Gene: POLD1 (DNA polymerase delta 1, catalytic subunit; plus strand). Cytogenetic location: 19q13.33.
Variant type: single nucleotide variant.
Coding change: c.2178G>C on transcript NM_002691.4 (MANE Select); coding-DNA position 2178, G replaced by C.
Protein change: p.Gln726His; replaces glutamine 726 with histidine.
Molecular consequence: missense variant. On other transcripts: non-coding transcript variant (1).
Genome position (GRCh38, 1-based): chr19:50,413,449, G>C. VCF-style: chr19-50413449-G-C. GRCh37 (hg19) VCF-style: chr19-50916706-G-C.
Other names: c.2178G>C, p.Gln726His (NM_001256849.1); c.2256G>C, p.Gln752His (NM_001308632.1); c.2178G>C (NM_002691.2); short protein forms Q726H, Q752H.
Identifiers: ClinVar variation 246171 (VCV000246171.30), dbSNP rs747483140, ClinGen allele CA9596436.